The following is an entry in ClinVar:

NM_000245.4(MET):c.2954G>C (p.Ser985Thr)

Gene: MET (MET proto-oncogene, receptor tyrosine kinase; plus strand). Cytogenetic location: 7q31.2.
Variant type: single nucleotide variant.
Coding change: c.2954G>C on transcript NM_000245.4 (MANE Select); coding-DNA position 2954, G replaced by C.
Protein change: p.Ser985Thr; replaces serine 985 with threonine.
Molecular consequence: missense variant.
Genome position (GRCh38, 1-based): chr7:116,771,915, G>C. VCF-style: chr7-116771915-G-C. GRCh37 (hg19) VCF-style: chr7-116411969-G-C.
Other names: c.3008G>C, p.Ser1003Thr (NM_001127500.3); c.1664G>C, p.Ser555Thr (NM_001324402.2); short protein forms S1003T, S555T, S985T.
Identifiers: ClinVar variation 1014297 (VCV001014297.8), dbSNP rs779906308, ClinGen allele CA368987190.

ClinVar aggregate classification (germline): Uncertain significance (1 of 4 stars; one submission).

Conditions:
Renal cell carcinoma. Identifiers: Orphanet 217071, MedGen C0007134, MeSH D002292, MONDO:0005086, HP:0005584.

Submission:

Labcorp Genetics (formerly Invitae), Labcorp
Classification: Uncertain significance for Renal cell carcinoma. Last evaluated: 2020-10-01. Review status: criteria provided, single submitter. Criteria: Invitae Variant Classification Sherloc (09022015). Collection method: clinical testing. Allele origin: germline.
Comment: In summary, the available evidence is currently insufficient to determine the role of this variant in disease. Therefore, it has been classified as a Variant of Uncertain Significance. Algorithms developed to predict the effect of missense changes on protein structure and function are either unavailable or do not agree on the potential impact of this missense change (SIFT: "Tolerated"; PolyPhen-2: "Probably Damaging"; Align-GVGD: "Class C0"). This variant has not been reported in the literature in individuals with MET-related conditions. This variant is not present in population databases (ExAC no frequency). This sequence change replaces serine with threonine at codon 1003 of the MET protein (p.Ser1003Thr). The serine residue is highly conserved and there is a small physicochemical difference between serine and threonine.